The following is an entry in ClinVar:

ClinVar aggregate classification (germline): Uncertain significance (1 of 4 stars; one submission).

Conditions:
Cardiovascular phenotype. Identifiers: MedGen CN230736.

Submission:

Ambry Genetics
Classification: Uncertain significance for Cardiovascular phenotype. Last evaluated: 2025-11-15. Review status: criteria provided, single submitter. Criteria: Ambry Variant Classification Scheme 2023. Collection method: clinical testing. Allele origin: germline.
Comment: The p.A491P variant (also known as c.1471G>C), located in coding exon 10 of the CBL gene, results from a G to C substitution at nucleotide position 1471. The alanine at codon 491 is replaced by proline, an amino acid with highly similar properties. This amino acid position is conserved. In addition, this alteration is predicted to be tolerated by in silico analysis. Based on the available evidence, the clinical significance of this variant remains unclear.

NM_005188.4(CBL):c.1471G>C (p.Ala491Pro)

Gene: CBL (Cbl proto-oncogene; plus strand). Cytogenetic location: 11q23.3.
Variant type: single nucleotide variant.
Coding change: c.1471G>C on transcript NM_005188.4 (MANE Select); coding-DNA position 1471, G replaced by C.
Protein change: p.Ala491Pro; replaces alanine 491 with proline.
Molecular consequence: missense variant.
Genome position (GRCh38, 1-based): chr11:119,285,008, G>C. VCF-style: chr11-119285008-G-C. GRCh37 (hg19) VCF-style: chr11-119155718-G-C.
Other names: short protein forms A491P.
Identifiers: ClinVar variation 4613876 (VCV004613876.1).